The following is an entry in ClinVar:

ClinVar aggregate classification (germline): Conflicting classifications of pathogenicity. Review status: criteria provided, conflicting classifications (1 of 4 stars). 5 submissions from 5 submitters: Likely pathogenic (1); Uncertain significance (4). Last evaluated 2025-01-26.

Conditions:
ALG1-congenital disorder of glycosylation. Also called: ALG1-CDG; CONGENITAL DISORDER OF GLYCOSYLATION, TYPE Ik; CDG Ik. Identifiers: Orphanet 79327, MedGen C2931005, MONDO:0012052, OMIM 608540.

Allele frequency attached by ClinVar (database versions not stated): gnomAD 0.00023 and 0.00025; ESP Exome Variant Server 0.00027; gnomAD exomes 0.00003; ExAC 0.00004; TOPMed 0.00018.
gnomAD v4.1: 60 of 1,596,272 alleles (0.0038%); highest among the groups gnomAD compares: African/African-American, 0.08%; no homozygotes.

Submissions (5):

Dasa
Classification: Uncertain significance. Last evaluated: 2025-01-26. Review status: criteria provided, single submitter. Criteria: DASA Assertion Criteria. Collection method: clinical testing. Allele origin: germline.
Comment: NM_019109.5(ALG1):c.1036C>A (p.Pro346Thr) is a missense variant that results in the substitution of proline with threonine. This variant is rare in population databases. The currently available literature and clinical evidence are not sufficient to establish a definitive association between this variant and the reported condition. Therefore, this variant is classified as a variant of uncertain significance.

Labcorp Genetics (formerly Invitae), Labcorp
Classification: Uncertain significance for ALG1-congenital disorder of glycosylation. Last evaluated: 2025-01-06. Review status: criteria provided, single submitter. Criteria: Invitae Variant Classification Sherloc (09022015). Collection method: clinical testing. Allele origin: germline.
Comment: This sequence change replaces proline, which is neutral and non-polar, with threonine, which is neutral and polar, at codon 346 of the ALG1 protein (p.Pro346Thr). This variant is present in population databases (rs143676440, gnomAD 0.07%). This variant has not been reported in the literature in individuals affected with ALG1-related conditions. ClinVar contains an entry for this variant (Variation ID: 803209). Invitae Evidence Modeling of protein sequence and biophysical properties (such as structural, functional, and spatial information, amino acid conservation, physicochemical variation, residue mobility, and thermodynamic stability) indicates that this missense variant is not expected to disrupt ALG1 protein function with a negative predictive value of 80%. This variant disrupts the p.Pro346 amino acid residue in ALG1. Other variant(s) that disrupt this residue have been determined to be pathogenic (PMID: 23806237, 26931382). This suggests that this residue is clinically significant, and that variants that disrupt this residue are likely to be disease-causing. In summary, the available evidence is currently insufficient to determine the role of this variant in disease. Therefore, it has been classified as a Variant of Uncertain Significance.

Fulgent Genetics
Classification: Uncertain significance for ALG1-congenital disorder of glycosylation. Last evaluated: 2024-04-25. Review status: criteria provided, single submitter. Criteria: ACMG Guidelines, 2015. Collection method: clinical testing. Allele origin: germline.

Women's Health and Genetics/Laboratory Corporation of America, LabCorp
Classification: Uncertain significance. Last evaluated: 2022-02-15. Review status: criteria provided, single submitter. Criteria: LabCorp Variant Classification Summary - May 2015. Collection method: clinical testing. Allele origin: germline.
Comment: Variant summary: ALG1 c.1036C>A (p.Pro346Thr) results in a non-conservative amino acid change located in the Glycosyl transferase, family 1 domain (IPR001296) of the encoded protein sequence. Four of five in-silico tools predict a damaging effect of the variant on protein function. The variant allele was found at a frequency of 5.7e-05 in 264474 control chromosomes, predominantly at a frequency of 0.00065 within the African or African-American subpopulation in the gnomAD database. This frequency is not significantly higher than expected for a pathogenic variant in ALG1 causing Congenital Disorder Of Glycosylation Type 1K (5.7e-05 vs 0.0011), allowing no conclusion about variant significance. To our knowledge, no occurrence of c.1036C>A in individuals affected with Congenital Disorder Of Glycosylation Type 1K and no experimental evidence demonstrating its impact on protein function have been reported. One ClinVar submitter (evaluation after 2014) cites the variant as likely pathogenic. Based on the evidence outlined above, the variant was classified as uncertain significance.

Mendelics
Classification: Likely pathogenic for ALG1-congenital disorder of glycosylation. Last evaluated: 2019-05-28. Review status: criteria provided, single submitter. Criteria: Mendelics Assertion Criteria 2017. Collection method: clinical testing. Allele origin: unknown.

Literature cited by the submitters: PubMed 23806237 (cited by Labcorp Genetics (formerly Invitae), Labcorp); PubMed 26931382 (cited by Labcorp Genetics (formerly Invitae), Labcorp).

NM_019109.5(ALG1):c.1036C>A (p.Pro346Thr)

Gene: ALG1 (ALG1 chitobiosyldiphosphodolichol beta-mannosyltransferase; plus strand). Cytogenetic location: 16p13.3.
Variant type: single nucleotide variant.
Coding change: c.1036C>A on transcript NM_019109.5 (MANE Select); coding-DNA position 1036, C replaced by A.
Protein change: p.Pro346Thr; replaces proline 346 with threonine.
Molecular consequence: missense variant.
Genome position (GRCh38, 1-based): chr16:5,081,020, C>A. VCF-style: chr16-5081020-C-A. GRCh37 (hg19) VCF-style: chr16-5131021-C-A.
Other names: c.703C>A, p.Pro235Thr (NM_001330504.2); short protein forms P235T, P346T.
Identifiers: ClinVar variation 803209 (VCV000803209.9), dbSNP rs143676440, ClinGen allele CA7890174.
Genomic context (GRCh38, chr16:5,081,020, plus strand): 5'-AGGGAGTATTATAGCCGCCTCATCCACCAGAAGCACTTCCAGCACATCCAGGTCTGCACC[C>A]CCTGGCTGGAGGCCGAGGACTACCCCCTGCTTCTAGGTGAGAGGCCAGCAGGAGGCTCAG-3'
Protein context (NP_061982.3, residues 336-356): KHFQHIQVCT[Pro346Thr]WLEAEDYPLL